The following is an entry in ClinVar:

NM_001283009.2(RTEL1):c.3605C>G (p.Pro1202Arg)

Genes: RTEL1 (regulator of telomere elongation helicase 1; plus strand), RTEL1-TNFRSF6B (RTEL1-TNFRSF6B readthrough (NMD candidate); plus strand). Cytogenetic location: 20q13.33.
Variant type: single nucleotide variant.
Coding change: c.3605C>G on transcript NM_001283009.2 (MANE Select); coding-DNA position 3605, C replaced by G.
Protein change: p.Pro1202Arg; replaces proline 1202 with arginine.
Molecular consequence: missense variant. On other transcripts: non-coding transcript variant (1).
Genome position (GRCh38, 1-based): chr20:63,695,433, C>G. VCF-style: chr20-63695433-C-G. GRCh37 (hg19) VCF-style: chr20-62326786-C-G.
Other names: c.2936C>G, p.Pro979Arg (NM_001283010.1); c.3605C>G, p.Pro1202Arg (NM_016434.4); c.3677C>G, p.Pro1226Arg (NM_032957.5); short protein forms P1202R, P1226R, P979R.
Identifiers: ClinVar variation 4863540 (VCV004863540.1).
Genomic context (GRCh38, chr20:63,695,433, plus strand): 5'-CGTCCTTCCTTAGACAGAGGCCAGCAGGGACTGTGGGGGCGGGCGGTGAGGATGCAGGTC[C>G]CAGCCAGTCCTCAGGACCTCCCCACGGGCCTGCAGCATCTGAGTGGGGTGAGCCTCATGG-3'
Protein context (NP_001269938.1, residues 1192-1212): TVGAGGEDAG[Pro1202Arg]SQSSGPPHGP

ClinVar aggregate classification (germline): Uncertain significance (1 of 4 stars; one submission).

Conditions:
Inborn genetic diseases. Identifiers: MedGen C0950123, MeSH D030342.

Submission:

Ambry Genetics
Classification: Uncertain significance for Inborn genetic diseases. Last evaluated: 2026-04-04. Review status: criteria provided, single submitter. Criteria: Ambry Variant Classification Scheme 2023. Collection method: clinical testing. Allele origin: germline.
Comment: The p.P1202R variant (also known as c.3605C>G), located in coding exon 33 of the RTEL1 gene, results from a C to G substitution at nucleotide position 3605. The proline at codon 1202 is replaced by arginine, an amino acid with dissimilar properties. This amino acid position is conserved. In addition, this alteration is predicted to be tolerated by in silico analysis. Based on the available evidence, the clinical significance of this variant remains unclear.